The following is an entry in ClinVar:

NM_080680.3(COL11A2):c.3311A>C (p.His1104Pro)

Gene: COL11A2 (collagen type XI alpha 2 chain; minus strand). Cytogenetic location: 6p21.32.
Variant type: single nucleotide variant.
Coding change: c.3311A>C on transcript NM_080680.3 (MANE Select); coding-DNA position 3311, A replaced by C.
Protein change: p.His1104Pro; replaces histidine 1104 with proline.
Molecular consequence: missense variant.
Genome position (GRCh38, 1-based): chr6:33,171,272, T>G on the plus strand (A>C on the coding strand, the complement: COL11A2 is on the minus strand). VCF-style: chr6-33171272-T-G. GRCh37 (hg19) VCF-style: chr6-33139049-T-G.
Other names: c.2990A>C, p.His997Pro (NM_080679.3); c.3053A>C, p.His1018Pro (NM_080681.3); short protein forms H1018P, H1104P, H997P.
Identifiers: ClinVar variation 1312522 (VCV001312522.12), dbSNP rs1175032554, ClinGen allele CA363634990.
Genomic context (GRCh38, chr6:33,171,272, plus strand): 5'-ATCAGGTGGGACTGAGGTTAAAGGCCAGGAGGTCAGAAGTCAAGGTCATGGACACTTACA[T>G]GTTCACCCTTGTTCCCTTTGGTGCCCTTCTGTCCGGGGTCCCCCACCTCACCCTGGGAGG-3'
Protein context (NP_542411.2, residues 1094-1114): QKGTKGNKGE[His1104Pro]GPPGPPGPIG

ClinVar aggregate classification (germline): Uncertain significance. Review status: criteria provided, multiple submitters, no conflicts (2 of 4 stars). 4 submissions from 4 submitters: Uncertain significance (4). Last evaluated 2025-11-23.

Conditions:
Inborn genetic diseases. Identifiers: MedGen C0950123, MeSH D030342.

Allele frequency attached by ClinVar (database versions not stated): TOPMed 0.00002; gnomAD 0.00003 and 0.00004.
gnomAD v4.1: 37 of 1,614,096 alleles (0.0023%); highest among the groups gnomAD compares: Non-Finnish European, 0.0031%; no homozygotes.

Submissions (4):

Labcorp Genetics (formerly Invitae), Labcorp
Classification: Uncertain significance. Last evaluated: 2025-11-23. Review status: criteria provided, single submitter. Criteria: Invitae Variant Classification Sherloc (09022015). Collection method: clinical testing. Allele origin: germline.
Comment: This sequence change replaces histidine, which is basic and polar, with proline, which is neutral and non-polar, at codon 1104 of the COL11A2 protein (p.His1104Pro). This variant is present in population databases (no rsID available, gnomAD 0.007%). This variant has not been reported in the literature in individuals affected with COL11A2-related conditions. ClinVar contains an entry for this variant (Variation ID: 1312522). An algorithm developed to predict the effect of missense changes on protein structure and function (PolyPhen-2) suggests that this variant is likely to be disruptive. In summary, the available evidence is currently insufficient to determine the role of this variant in disease. Therefore, it has been classified as a Variant of Uncertain Significance.

Ambry Genetics
Classification: Uncertain significance for Inborn genetic diseases. Last evaluated: 2025-04-15. Review status: criteria provided, single submitter. Criteria: Ambry Variant Classification Scheme 2023. Collection method: clinical testing. Allele origin: germline.

GeneDx
Classification: Uncertain significance. Last evaluated: 2023-01-05. Review status: criteria provided, single submitter. Criteria: GeneDx Variant Classification Process June 2021. Collection method: clinical testing. Allele origin: germline. Affected: yes.
Comment: Not observed at significant frequency in large population cohorts (gnomAD); In silico analysis supports that this missense variant does not alter protein structure/function; Has not been previously published as pathogenic or benign to our knowledge

Blueprint Genetics
Classification: Uncertain significance. Last evaluated: 2022-09-19. Review status: criteria provided, single submitter. Criteria: ACMG Guidelines, 2015. Collection method: clinical testing. Allele origin: germline.